The following is an entry in ClinVar:

ClinVar aggregate classification (germline): Uncertain significance (1 of 4 stars; one submission).

gnomAD v4.1: 2 of 1,614,060 alleles (0.00012%); highest among the groups gnomAD compares: Admixed American, 0.0033%; no homozygotes.

Submission:

Labcorp Genetics (formerly Invitae), Labcorp
Classification: Uncertain significance. Last evaluated: 2022-04-23. Review status: criteria provided, single submitter. Criteria: Invitae Variant Classification Sherloc (09022015). Collection method: clinical testing. Allele origin: germline.
Comment: This sequence change replaces glutamine, which is neutral and polar, with histidine, which is basic and polar, at codon 93 of the CEP152 protein (p.Gln93His). This variant is not present in population databases (gnomAD no frequency). This variant has not been reported in the literature in individuals affected with CEP152-related conditions. Algorithms developed to predict the effect of missense changes on protein structure and function are either unavailable or do not agree on the potential impact of this missense change (SIFT: "Deleterious"; PolyPhen-2: "Benign"; Align-GVGD: "Class C0"). Algorithms developed to predict the effect of sequence changes on RNA splicing suggest that this variant may disrupt the consensus splice site. In summary, the available evidence is currently insufficient to determine the role of this variant in disease. Therefore, it has been classified as a Variant of Uncertain Significance.

NM_001194998.2(CEP152):c.279G>C (p.Gln93His)

Gene: CEP152 (centrosomal protein 152; minus strand). Cytogenetic location: 15q21.1.
Variant type: single nucleotide variant.
Coding change: c.279G>C on transcript NM_001194998.2 (MANE Select); coding-DNA position 279, G replaced by C.
Protein change: p.Gln93His; replaces glutamine 93 with histidine.
Molecular consequence: missense variant.
Genome position (GRCh38, 1-based): chr15:48,797,562, C>G on the plus strand (G>C on the coding strand, the complement: CEP152 is on the minus strand). VCF-style: chr15-48797562-C-G. GRCh37 (hg19) VCF-style: chr15-49089759-C-G.
Other names: c.279G>C, p.Gln93His (NM_014985.4); short protein forms Q93H.
Identifiers: ClinVar variation 1923065 (VCV001923065.2), dbSNP rs1320300392, ClinGen allele CA392358237.